The following is an entry in ClinVar:

NM_003036.4(SKI):c.1999-16C>T

Gene: SKI (SKI proto-oncogene; plus strand). Cytogenetic location: 1p36.32.
Variant type: single nucleotide variant.
Coding change: c.1999-16C>T on transcript NM_003036.4 (MANE Select); 16 bases into the intron before coding-DNA position 1999, C replaced by T.
Molecular consequence: intron variant.
Genome position (GRCh38, 1-based): chr1:2,306,561, C>T. VCF-style: chr1-2306561-C-T. GRCh37 (hg19) VCF-style: chr1-2238000-C-T.
Identifiers: ClinVar variation 388616 (VCV000388616.2), dbSNP rs1057523169, ClinGen allele CA16603521.

ClinVar aggregate classification (germline): Likely benign. Review status: criteria provided, multiple submitters, no conflicts (2 of 4 stars). 2 submissions from 2 submitters: Likely benign (2). Last evaluated 2021-04-12.

gnomAD v4.1: 3 of 1,539,788 alleles (0.00019%); highest among the groups gnomAD compares: Non-Finnish European, 0.00026%; no homozygotes.

Submissions (2):

Blueprint Genetics
Classification: Likely benign. Last evaluated: 2021-04-12. Review status: criteria provided, single submitter. Criteria: ACMG Guidelines, 2015. Collection method: clinical testing. Allele origin: germline.

GeneDx
Classification: Likely benign. Last evaluated: 2016-08-12. Review status: criteria provided, single submitter. Criteria: GeneDx Variant Classification (06012015). Collection method: clinical testing. Allele origin: germline. Affected: yes.
Comment: This variant is considered likely benign or benign based on one or more of the following criteria: it is a conservative change, it occurs at a poorly conserved position in the protein, it is predicted to be benign by multiple in silico algorithms, and/or has population frequency not consistent with disease.